The following is an entry in ClinVar:

NM_006648.4(WNK2):c.3539G>T (p.Arg1180Leu)

Gene: WNK2 (WNK lysine deficient protein kinase 2; plus strand). Cytogenetic location: 9q22.31.
Variant type: single nucleotide variant.
Coding change: c.3539G>T on transcript NM_006648.4 (MANE Select); coding-DNA position 3539, G replaced by T.
Protein change: p.Arg1180Leu; replaces arginine 1180 with leucine.
Molecular consequence: missense variant.
Genome position (GRCh38, 1-based): chr9:93,263,694, G>T. VCF-style: chr9-93263694-G-T. GRCh37 (hg19) VCF-style: chr9-96025976-G-T.
Other names: c.3539G>T, p.Arg1180Leu (NM_001282394.3); short protein forms R1180L.
Identifiers: ClinVar variation 3816646 (VCV003816646.1).

ClinVar aggregate classification (germline): Uncertain significance (1 of 4 stars; one submission).

Submission:

Ambry Genetics
Classification: Uncertain significance. Last evaluated: 2024-12-27. Review status: criteria provided, single submitter. Criteria: Ambry Variant Classification Scheme 2023. Collection method: clinical testing. Allele origin: germline.
Comment: The p.R1180L variant (also known as c.3539G>T), located in coding exon 14 of the WNK2 gene, results from a G to T substitution at nucleotide position 3539. The arginine at codon 1180 is replaced by leucine, an amino acid with dissimilar properties. This amino acid position is conserved. In addition, the in silico prediction for this alteration is inconclusive. Based on the available evidence, the clinical significance of this variant remains unclear.